The following is an entry in ClinVar:

ClinVar aggregate classification (germline): Conflicting classifications of pathogenicity. Review status: criteria provided, conflicting classifications (1 of 4 stars). 3 submissions from 3 submitters: Uncertain significance (2); Likely benign (1). Last evaluated 2025-09-01.

Conditions:
Nemaline myopathy 6 (NEM6). Also called: Nemaline myopathy 6, autosomal dominant. Identifiers: Orphanet 171439, MedGen C1836472, MONDO:0012237, OMIM 609273.
Inborn genetic diseases. Identifiers: MedGen C0950123, MeSH D030342.

gnomAD v4.1: 4 of 1,590,244 alleles (0.00025%); highest among the groups gnomAD compares: South Asian, 0.0011%; no homozygotes.

Submissions (3):

CeGaT Center for Human Genetics Tuebingen
Classification: Uncertain significance. Last evaluated: 2025-09-01. Review status: criteria provided, single submitter. Criteria: CeGaT Center For Human Genetics Tuebingen Variant Classification Criteria Version 2. Collection method: clinical testing. Allele origin: germline. Affected: yes. Observed: 1 variant allele.
Comment: KBTBD13: PM2

Ambry Genetics
Classification: Uncertain significance for Inborn genetic diseases. Last evaluated: 2024-09-03. Review status: criteria provided, single submitter. Criteria: Ambry Variant Classification Scheme 2023. Collection method: clinical testing. Allele origin: germline.

Labcorp Genetics (formerly Invitae), Labcorp
Classification: Likely benign for Nemaline myopathy 6. Last evaluated: 2024-02-23. Review status: criteria provided, single submitter. Criteria: Invitae Variant Classification Sherloc (09022015). Collection method: clinical testing. Allele origin: germline.

NM_001101362.3(KBTBD13):c.830G>A (p.Arg277His)

Gene: KBTBD13 (kelch repeat and BTB domain containing 13; plus strand). Cytogenetic location: 15q22.31.
Variant type: single nucleotide variant.
Coding change: c.830G>A on transcript NM_001101362.3 (MANE Select); coding-DNA position 830, G replaced by A.
Protein change: p.Arg277His; replaces arginine 277 with histidine.
Molecular consequence: missense variant.
Genome position (GRCh38, 1-based): chr15:65,077,645, G>A. VCF-style: chr15-65077645-G-A. GRCh37 (hg19) VCF-style: chr15-65369983-G-A.
Other names: c.830G>A (NM_001101362.2); short protein forms R277H.
Identifiers: ClinVar variation 1082246 (VCV001082246.18), dbSNP rs1233365626, ClinGen allele CA392863819.
Genomic context (GRCh38, chr15:65,077,645, plus strand): 5'-ACGGCCGCCTCTACGCCATCGGCGGCGAATTCCAGAGGACGCCCATCAGCTCCGTGGAGC[G>A]CTACGACCCAGCCGCGGGCTGCTGGAGTTTCGTGGCCGACCTGCCGCAGCCGGCCGCCGG-3'
Protein context (NP_001094832.1, residues 267-287): FQRTPISSVE[Arg277His]YDPAAGCWSF